The following is an entry in ClinVar:

ClinVar aggregate classification (germline): Likely benign. Review status: criteria provided, multiple submitters, no conflicts (2 of 4 stars). 4 submissions from 4 submitters: Likely benign (4). Last evaluated 2025-05-13.

Allele frequency attached by ClinVar (database versions not stated): gnomAD exomes 0.00001 and 0.00002; ExAC 0.00002; gnomAD 0.00003; TOPMed 0.00003.
gnomAD v4.1: 39 of 1,613,686 alleles (0.0024%); highest among the groups gnomAD compares: Non-Finnish European, 0.0031%; no homozygotes.

Submissions (4):

Labcorp Genetics (formerly Invitae), Labcorp
Classification: Likely benign. Last evaluated: 2025-05-13. Review status: criteria provided, single submitter. Criteria: Invitae Variant Classification Sherloc (09022015). Collection method: clinical testing. Allele origin: germline.

Blueprint Genetics
Classification: Likely benign. Last evaluated: 2024-09-11. Review status: criteria provided, single submitter. Criteria: ACMG Guidelines, 2015. Collection method: clinical testing. Allele origin: germline.

CeGaT Center for Human Genetics Tuebingen
Classification: Likely benign. Last evaluated: 2023-12-01. Review status: criteria provided, single submitter. Criteria: CeGaT Center For Human Genetics Tuebingen Variant Classification Criteria Version 2. Collection method: clinical testing. Allele origin: germline. Affected: yes. Observed: 1 variant allele.
Comment: COQ2: BP4, BP7

GeneDx
Classification: Likely benign. Last evaluated: 2016-10-27. Review status: criteria provided, single submitter. Criteria: GeneDx Variant Classification (06012015). Collection method: clinical testing. Allele origin: germline. Affected: yes.
Comment: This variant is considered likely benign or benign based on one or more of the following criteria: it is a conservative change, it occurs at a poorly conserved position in the protein, it is predicted to be benign by multiple in silico algorithms, and/or has population frequency not consistent with disease.

NM_001358921.2(COQ2):c.453T>C (p.Ala151=)

Gene: COQ2 (coenzyme Q2, polyprenyltransferase; minus strand). Cytogenetic location: 4q21.23.
Variant type: single nucleotide variant.
Coding change: c.453T>C on transcript NM_001358921.2 (MANE Select); coding-DNA position 453, T replaced by C.
Protein change: p.Ala151=; no amino-acid change (alanine 151 retained).
Molecular consequence: synonymous variant.
Genome position (GRCh38, 1-based): chr4:83,273,585, A>G on the plus strand (T>C on the coding strand, the complement: COQ2 is on the minus strand). VCF-style: chr4-83273585-A-G. GRCh37 (hg19) VCF-style: chr4-84194738-A-G.
Other names: c.603T>C, p.Ala201= (NM_015697.9).
Identifiers: ClinVar variation 379111 (VCV000379111.27), dbSNP rs774470336, ClinGen allele CA2988595.